The following is an entry in ClinVar:

NM_001122764.3(PPOX):c.363del (p.Phe122fs)

Gene: PPOX (protoporphyrinogen oxidase; plus strand). Cytogenetic location: 1q23.3.
Variant type: Deletion.
Coding change: c.363del on transcript NM_001122764.3 (MANE Select); coding-DNA position 363, one base deleted (C; older notation c.363delC).
Protein change: p.Phe122fs; shifts the reading frame from phenylalanine 122.
Molecular consequence: frameshift variant. On other transcripts: 5 prime UTR variant (4), intron variant (2).
Genome position (GRCh38, 1-based): chr1:161,168,019, C deleted; the last of 6 consecutive C bases (chr1:161,168,014-161,168,019); deleting any one gives the same sequence. VCF-style (leftmost placement, unchanged base first): chr1-161168013-AC-A. GRCh37 (hg19) VCF-style: chr1-161137803-AC-A.
Other names: NM_001122764.3:c.363delC; c.363del, p.Phe122fs (NM_000309.5, NM_001365398.1, NM_001365399.1); c.-65del (NM_001350129.2, NM_001365400.1); c.-124del (NM_001350130.2, NM_001365401.1); c.354-394del (NM_001350128.2); c.-34-394del (NM_001350131.2); short protein forms F122fs.
Identifiers: ClinVar variation 5010286 (VCV005010286.1).

ClinVar aggregate classification (germline): Pathogenic (1 of 4 stars; one submission).

Conditions:
Variegate porphyria (VP). Also called: PORPHYRIA, SOUTH AFRICAN TYPE; PROTOPORPHYRINOGEN OXIDASE DEFICIENCY; PPOX DEFICIENCY. Identifiers: Orphanet 79473, MedGen C0162532, MONDO:0008297, OMIM 176200.

Submission:

Department of Dermatology, Peking Union Medical College Hospital
Classification: Pathogenic for Variegate porphyria. Last evaluated: 2026-08-26. Review status: criteria provided, single submitter. Criteria: ACMG Guidelines, 2015. Collection method: provider interpretation. Allele origin: germline. Inheritance: Autosomal dominant inheritance. Affected: yes. Observed: 2 variant alleles, 2 heterozygotes. Clinical features observed: Erythema (HP:0010783), Papule (HP:0200034), Skin ulcer (HP:0200042), Hypopigmentation of the skin (HP:0001010), Scarring (HP:0100699), Hyperpigmentation of the skin (HP:0000953), Increased erythrocyte protoporphyrin concentration (HP:0012187), Increased urinary porphobilinogen (HP:0012217).
Comment: Classified as pathogenic using PVS1, PM2_Supporting and PP4. PVS1: NM_001122764.3:c.363del causes a frameshift and premature termination, p.(Phe122SerfsTer10), and is expected to result in an absent or severely disrupted PPOX protein; loss of function is an established mechanism of variegate porphyria. PM2_Supporting: the variant was absent from population-based cohorts in the Genome Aggregation Database (gnomAD). PP4: the variant was observed in an affected proband and affected mother with phenotypes consistent with variegate porphyria. In summary, this variant meets criteria for a pathogenic classification: PVS1, PM2_Supporting and PP4.